The following is an entry in ClinVar:

NM_001024630.4(RUNX2):c.680C>G (p.Pro227Arg)

Gene: RUNX2 (RUNX family transcription factor 2; plus strand). Cytogenetic location: 6p21.1.
Variant type: single nucleotide variant.
Coding change: c.680C>G on transcript NM_001024630.4 (MANE Select); coding-DNA position 680, C replaced by G.
Protein change: p.Pro227Arg; replaces proline 227 with arginine.
Molecular consequence: missense variant.
Genome position (GRCh38, 1-based): chr6:45,438,046, C>G. VCF-style: chr6-45438046-C-G. GRCh37 (hg19) VCF-style: chr6-45405783-C-G.
Other names: c.680C>G, p.Pro227Arg (NM_001015051.4); c.638C>G, p.Pro213Arg (NM_001278478.2, NM_001369405.1, NM_004348.3); short protein forms P213R, P227R.
Identifiers: ClinVar variation 2801475 (VCV002801475.3), dbSNP rs2548593601, ClinGen allele CA363955484.
Genomic context (GRCh38, chr6:45,438,046, plus strand): 5'-CTCCCCAAGTAGCTACCTATCACAGAGCAATTAAAGTTACAGTAGATGGACCTCGGGAAC[C>G]CAGAAGTAAGTACTCCCCTTTTTATTGAAGAAAGTAATAGAGTTTCCAGAGACCCTATGA-3'
Protein context (NP_001019801.3, residues 217-237): IKVTVDGPRE[Pro227Arg]RRHRQKLDDS

ClinVar aggregate classification (germline): Uncertain significance (1 of 4 stars; one submission).

Submission:

Labcorp Genetics (formerly Invitae), Labcorp
Classification: Uncertain significance. Last evaluated: 2023-05-01. Review status: criteria provided, single submitter. Criteria: Invitae Variant Classification Sherloc (09022015). Collection method: clinical testing. Allele origin: germline.
Comment: In summary, the available evidence is currently insufficient to determine the role of this variant in disease. Therefore, it has been classified as a Variant of Uncertain Significance. Advanced modeling of protein sequence and biophysical properties (such as structural, functional, and spatial information, amino acid conservation, physicochemical variation, residue mobility, and thermodynamic stability) performed at Invitae indicates that this missense variant is expected to disrupt RUNX2 protein function. This variant has not been reported in the literature in individuals affected with RUNX2-related conditions. This variant is not present in population databases (gnomAD no frequency). This sequence change replaces proline, which is neutral and non-polar, with arginine, which is basic and polar, at codon 227 of the RUNX2 protein (p.Pro227Arg).